The following is an entry in ClinVar:

ClinVar aggregate classification (germline): Uncertain significance (1 of 4 stars; one submission).

Conditions:
Emery-Dreifuss muscular dystrophy 5, autosomal dominant (EDMD5). Also called: EMERY-DREIFUSS MUSCULAR DYSTROPHY 5. Identifiers: Orphanet 261, MedGen C2751805, MONDO:0013072, OMIM 612999.

gnomAD v4.1: 3 of 1,614,184 alleles (0.00019%); highest among the groups gnomAD compares: Non-Finnish European, 0.00017%; no homozygotes.

Submission:

Labcorp Genetics (formerly Invitae), Labcorp
Classification: Uncertain significance for Emery-Dreifuss muscular dystrophy 5, autosomal dominant. Last evaluated: 2025-12-23. Review status: criteria provided, single submitter. Criteria: Invitae Variant Classification Sherloc (09022015). Collection method: clinical testing. Allele origin: germline.
Comment: This sequence change replaces serine, which is neutral and polar, with proline, which is neutral and non-polar, at codon 4803 of the SYNE2 protein (p.Ser4803Pro). This variant is present in population databases (no rsID available, gnomAD 0.0009%). This variant has not been reported in the literature in individuals affected with SYNE2-related conditions. An algorithm developed to predict the effect of missense changes on protein structure and function outputs the following: PolyPhen-2: "Benign". The proline amino acid residue is found in multiple mammalian species, which suggests that this missense change does not adversely affect protein function. In summary, the available evidence is currently insufficient to determine the role of this variant in disease. Therefore, it has been classified as a Variant of Uncertain Significance.

NM_182914.3(SYNE2):c.14407T>C (p.Ser4803Pro)

Gene: SYNE2 (spectrin repeat containing nuclear envelope protein 2; plus strand). Cytogenetic location: 14q23.2.
Variant type: single nucleotide variant.
Coding change: c.14407T>C on transcript NM_182914.3 (MANE Select); coding-DNA position 14407, T replaced by C.
Protein change: p.Ser4803Pro; replaces serine 4803 with proline.
Molecular consequence: missense variant.
Genome position (GRCh38, 1-based): chr14:64,132,331, T>C. VCF-style: chr14-64132331-T-C. GRCh37 (hg19) VCF-style: chr14-64599049-T-C.
Other names: c.14407T>C, p.Ser4803Pro (NM_015180.6); short protein forms S4803P.
Identifiers: ClinVar variation 4811221 (VCV004811221.1).